The following is an entry in ClinVar:

ClinVar aggregate classification (germline): Uncertain significance (1 of 4 stars; one submission).

Conditions:
Branchiooculofacial syndrome (BOFS). Also called: HEMANGIOMATOUS BRANCHIAL CLEFTS-LIP PSEUDOCLEFT SYNDROME; LIP PSEUDOCLEFT-HEMANGIOMATOUS BRANCHIAL CYST SYNDROME; BOF SYNDROME; Branchio-Oculo-Facial Syndrome. Identifiers: Orphanet 1297, MedGen C0376524, MeSH D019280, MONDO:0007235, OMIM 113620.

Submission:

Juno Genomics, Hangzhou Juno Genomics, Inc
Classification: Uncertain significance for Branchiooculofacial syndrome. Review status: criteria provided, single submitter. Criteria: ACMG Guidelines, 2015. Collection method: clinical testing. Allele origin: germline.
Comment: Absent from controls (or at extremely low frequency if recessive) in Genome Aggregation Database.;Multiple lines of computational evidence support a deleterious effect on the gene or gene product.

NM_001372066.1(TFAP2A):c.294G>T (p.Trp98Cys)

Gene: TFAP2A (transcription factor AP-2 alpha; minus strand). Cytogenetic location: 6p24.3.
Variant type: single nucleotide variant.
Coding change: c.294G>T on transcript NM_001372066.1 (MANE Select); coding-DNA position 294, G replaced by T.
Protein change: p.Trp98Cys; replaces tryptophan 98 with cysteine.
Molecular consequence: missense variant.
Genome position (GRCh38, 1-based): chr6:10,410,093, C>A on the plus strand (G>T on the coding strand, the complement: TFAP2A is on the minus strand). VCF-style: chr6-10410093-C-A. GRCh37 (hg19) VCF-style: chr6-10410326-C-A.
Other names: c.270G>T, p.Trp90Cys (NM_001032280.3); c.276G>T, p.Trp92Cys (NM_001042425.3); short protein forms W90C, W92C, W98C.
Identifiers: ClinVar variation 5006943 (VCV005006943.2).